The following is an entry in ClinVar:

NM_000245.4(MET):c.2383A>C (p.Asn795His)

Gene: MET (MET proto-oncogene, receptor tyrosine kinase; plus strand). Cytogenetic location: 7q31.2.
Variant type: single nucleotide variant.
Coding change: c.2383A>C on transcript NM_000245.4 (MANE Select); coding-DNA position 2383, A replaced by C.
Protein change: p.Asn795His; replaces asparagine 795 with histidine.
Molecular consequence: missense variant.
Genome position (GRCh38, 1-based): chr7:116,763,068, A>C. VCF-style: chr7-116763068-A-C. GRCh37 (hg19) VCF-style: chr7-116403122-A-C.
Other names: c.2437A>C, p.Asn813His (NM_001127500.3); c.2383A>C, p.Asn795His (NM_001324401.3); c.1093A>C, p.Asn365His (NM_001324402.2); short protein forms N365H, N795H, N813H.
Identifiers: ClinVar variation 2453390 (VCV002453390.2), dbSNP rs200633053, ClinGen allele CA368982888.
Genomic context (GRCh38, chr7:116,763,068, plus strand): 5'-AGCTGTATTCTGTTTACAGTGGATAATTGTGTCTTTCTCTAGGCATGTCAACATCGCTCT[A>C]ATTCAGAGATAATCTGTTGTACCACTCCTTCCCTGCAACAGCTGAATCTGCAACTCCCCC-3'
Protein context (NP_000236.2, residues 785-805): NFTVACQHRS[Asn795His]SEIICCTTPS

ClinVar aggregate classification (germline): Uncertain significance (1 of 4 stars; one submission).

Conditions:
Hereditary cancer-predisposing syndrome. Also called: Neoplastic Syndromes, Hereditary; Tumor predisposition; Hereditary neoplastic syndrome; Hereditary Cancer Syndrome. Identifiers: Orphanet 140162, MedGen C0027672, MeSH D009386, MONDO:0015356.

Submission:

Ambry Genetics
Classification: Uncertain significance for Hereditary cancer-predisposing syndrome. Last evaluated: 2022-12-23. Review status: criteria provided, single submitter. Criteria: Ambry Variant Classification Scheme 2023. Collection method: clinical testing. Allele origin: germline.
Comment: The p.N813H variant (also known as c.2437A>C), located in coding exon 10 of the MET gene, results from an A to C substitution at nucleotide position 2437. The asparagine at codon 813 is replaced by histidine, an amino acid with similar properties. This amino acid position is conserved. In addition, this alteration is predicted to be tolerated by in silico analysis. Since supporting evidence is limited at this time, the clinical significance of this alteration remains unclear.